The following is an entry in ClinVar:

NM_012470.4(TNPO3):c.776T>C (p.Val259Ala)

Gene: TNPO3 (transportin 3; minus strand). Cytogenetic location: 7q32.1.
Variant type: single nucleotide variant.
Coding change: c.776T>C on transcript NM_012470.4 (MANE Select); coding-DNA position 776, T replaced by C.
Protein change: p.Val259Ala; replaces valine 259 with alanine.
Molecular consequence: missense variant. On other transcripts: non-coding transcript variant (18).
Genome position (GRCh38, 1-based): chr7:129,001,155, A>G on the plus strand (T>C on the coding strand, the complement: TNPO3 is on the minus strand). VCF-style: chr7-129001155-A-G. GRCh37 (hg19) VCF-style: chr7-128641209-A-G.
Other names: c.776T>C, p.Val259Ala (NM_001191028.3, NM_001382216.1, NM_001382218.1 and 4 more transcripts); c.857T>C, p.Val286Ala (NM_001382217.1); c.632T>C, p.Val211Ala (NM_001382221.1); short protein forms V211A, V259A, V286A.
Identifiers: ClinVar variation 2904781 (VCV002904781.3), dbSNP rs2536255783, ClinGen allele CA369239072.

ClinVar aggregate classification (germline): Uncertain significance (1 of 4 stars; one submission).

Conditions:
Autosomal dominant limb-girdle muscular dystrophy type 1F (LGMDD2). Also called: Limb-girdle muscular dystrophy, type 1F; MUSCULAR DYSTROPHY, LIMB-GIRDLE, AUTOSOMAL DOMINANT 2. Identifiers: Orphanet 55595, MedGen C1842062, MONDO:0012034, OMIM 608423.

Allele frequency attached by ClinVar (database versions not stated): gnomAD exomes below 0.00001.
gnomAD v4.1: 3 of 1,614,158 alleles (0.00019%); highest among the groups gnomAD compares: Non-Finnish European, 0.00025%; no homozygotes.

Submission:

Labcorp Genetics (formerly Invitae), Labcorp
Classification: Uncertain significance for Autosomal dominant limb-girdle muscular dystrophy type 1F. Last evaluated: 2023-07-25. Review status: criteria provided, single submitter. Criteria: Invitae Variant Classification Sherloc (09022015). Collection method: clinical testing. Allele origin: germline.
Comment: In summary, the available evidence is currently insufficient to determine the role of this variant in disease. Therefore, it has been classified as a Variant of Uncertain Significance. Advanced modeling of protein sequence and biophysical properties (such as structural, functional, and spatial information, amino acid conservation, physicochemical variation, residue mobility, and thermodynamic stability) performed at Invitae indicates that this missense variant is not expected to disrupt TNPO3 protein function. This variant has not been reported in the literature in individuals affected with TNPO3-related conditions. This variant is not present in population databases (gnomAD no frequency). This sequence change replaces valine, which is neutral and non-polar, with alanine, which is neutral and non-polar, at codon 259 of the TNPO3 protein (p.Val259Ala).